The following is an entry in ClinVar:

NM_001165963.4(SCN1A):c.621G>A (p.Val207=)

Gene: SCN1A (sodium voltage-gated channel alpha subunit 1; minus strand). Cytogenetic location: 2q24.3.
Variant type: single nucleotide variant.
Coding change: c.621G>A on transcript NM_001165963.4 (MANE Select); coding-DNA position 621, G replaced by A.
Protein change: p.Val207=; no amino-acid change (valine 207 retained).
Molecular consequence: synonymous variant. On other transcripts: 5 prime UTR variant (1), non-coding transcript variant (1).
Genome position (GRCh38, 1-based): chr2:166,052,925, C>T on the plus strand (G>A on the coding strand, the complement: SCN1A is on the minus strand). VCF-style: chr2-166052925-C-T. GRCh37 (hg19) VCF-style: chr2-166909435-C-T.
Other names: c.621G>A, p.Val207= (NM_001165964.3, NM_001202435.3, NM_001353948.2 and 10 more transcripts); c.-1805G>A (NM_001353961.2).
Identifiers: ClinVar variation 2443620 (VCV002443620.1), dbSNP rs2468233797, ClinGen allele CA429903431.

ClinVar aggregate classification (germline): Uncertain significance (1 of 4 stars; one submission).

Submission:

GeneDx
Classification: Uncertain significance. Last evaluated: 2022-09-07. Review status: criteria provided, single submitter. Criteria: GeneDx Variant Classification Process June 2021. Collection method: clinical testing. Allele origin: germline. Affected: yes.
Comment: Not observed at significant frequency in large population cohorts (gnomAD); In silico analysis supports that this variant does not alter splicing; Has not been previously published as pathogenic or benign to our knowledge